The following is an entry in ClinVar:

ClinVar aggregate classification (germline): Uncertain significance (1 of 4 stars; one submission).

Submission:

Labcorp Genetics (formerly Invitae), Labcorp
Classification: Uncertain significance. Last evaluated: 2022-10-14. Review status: criteria provided, single submitter. Criteria: Invitae Variant Classification Sherloc (09022015). Collection method: clinical testing. Allele origin: germline.
Comment: This variant results in a copy number gain of the genomic region encompassing exon(s) 36-37 of the COL11A2 gene. While the exact position of this variant cannot be determined from the data, sub-genic copy number gains are generally in tandem (PMID: 25640679). This variant is predicted to be in-frame, and likely preserves the integrity of the reading frame. This variant has not been reported in the literature in individuals affected with COL11A2-related conditions. Experimental studies and prediction algorithms are not available or were not evaluated, and the functional significance of this variant is currently unknown. In summary, the available evidence is currently insufficient to determine the role of this variant in disease. Therefore, it has been classified as a Variant of Uncertain Significance.

Literature cited by the submitters: PubMed 25640679.

NC_000006.11:g.(?_33141105)_(33141352_?)dup

Gene: COL11A2 (collagen type XI alpha 2 chain; minus strand). Cytogenetic location: 6p21.32.
Variant type: Duplication.
Identifiers: ClinVar variation 2427185 (VCV002427185.5).